The following is an entry in ClinVar:

NM_024529.5(CDC73):c.56T>C (p.Val19Ala)

Gene: CDC73 (cell division cycle 73; plus strand). Cytogenetic location: 1q31.2.
Variant type: single nucleotide variant.
Coding change: c.56T>C on transcript NM_024529.5 (MANE Select); coding-DNA position 56, T replaced by C.
Protein change: p.Val19Ala; replaces valine 19 with alanine.
Molecular consequence: missense variant.
Genome position (GRCh38, 1-based): chr1:193,122,256, T>C. VCF-style: chr1-193122256-T-C. GRCh37 (hg19) VCF-style: chr1-193091386-T-C.
Other names: short protein forms V19A.
Identifiers: ClinVar variation 2562073 (VCV002562073.2), dbSNP rs2103111676, ClinGen allele CA343972846.

ClinVar aggregate classification (germline): Uncertain significance (1 of 4 stars; one submission).

Conditions:
Hereditary cancer-predisposing syndrome. Also called: Neoplastic Syndromes, Hereditary; Hereditary Cancer Syndrome; Hereditary neoplastic syndrome; Tumor predisposition. Identifiers: Orphanet 140162, MedGen C0027672, MeSH D009386, MONDO:0015356.

Submission:

Ambry Genetics
Classification: Uncertain significance for Hereditary cancer-predisposing syndrome. Last evaluated: 2023-05-25. Review status: criteria provided, single submitter. Criteria: Ambry Variant Classification Scheme 2023. Collection method: clinical testing. Allele origin: germline.
Comment: The p.V19A variant (also known as c.56T>C), located in coding exon 1 of the CDC73 gene, results from a T to C substitution at nucleotide position 56. The valine at codon 19 is replaced by alanine, an amino acid with similar properties. This amino acid position is conserved. In addition, the in silico prediction for this alteration is inconclusive. Since supporting evidence is limited at this time, the clinical significance of this alteration remains unclear.